The following is an entry in ClinVar:

ClinVar aggregate classification (germline): Uncertain significance. Review status: criteria provided, multiple submitters, no conflicts (2 of 4 stars). 3 submissions from 3 submitters: Uncertain significance (3). Last evaluated 2024-11-03.

Conditions:
Fanconi anemia (FA). Also called: Fanconi's anemia. Identifiers: Orphanet 84, MedGen C0015625, MeSH D005199, MONDO:0019391.
Fanconi anemia complementation group L (FANCL). Also called: FANCL-Related Fanconi Anemia. Identifiers: Orphanet 84, MedGen C3469528, MONDO:0013566, OMIM 614083.

Allele frequency attached by ClinVar (database versions not stated): TOPMed 0.00004; gnomAD 0.00006; ESP Exome Variant Server 0.00008.
gnomAD v4.1: 140 of 1,614,020 alleles (0.0087%); highest among the groups gnomAD compares: Non-Finnish European, 0.0099%; no homozygotes.

Submissions (3):

Labcorp Genetics (formerly Invitae), Labcorp
Classification: Uncertain significance for Fanconi anemia. Last evaluated: 2024-11-03. Review status: criteria provided, single submitter. Criteria: Invitae Variant Classification Sherloc (09022015). Collection method: clinical testing. Allele origin: germline.
Comment: This sequence change replaces alanine, which is neutral and non-polar, with serine, which is neutral and polar, at codon 2 of the FANCL protein (p.Ala2Ser). This variant is present in population databases (rs144057264, gnomAD 0.02%). This variant has not been reported in the literature in individuals affected with FANCL-related conditions. ClinVar contains an entry for this variant (Variation ID: 241251). An algorithm developed to predict the effect of missense changes on protein structure and function (PolyPhen-2) suggests that this variant¬†is likely to be tolerated. In summary, the available evidence is currently insufficient to determine the role of this variant in disease. Therefore, it has been classified as a Variant of Uncertain Significance.

Fulgent Genetics
Classification: Uncertain significance for Fanconi anemia complementation group L. Last evaluated: 2024-04-08. Review status: criteria provided, single submitter. Criteria: ACMG Guidelines, 2015. Collection method: clinical testing. Allele origin: germline.

Illumina Laboratory Services, Illumina
Classification: Uncertain significance for Fanconi anemia complementation group L. Last evaluated: 2017-04-27. Review status: criteria provided, single submitter. Criteria: ICSL Variant Classification Criteria 13 December 2019. Collection method: clinical testing. Allele origin: germline.

NM_018062.4(FANCL):c.4G>T (p.Ala2Ser)

Gene: FANCL (FA complementation group L; minus strand). Cytogenetic location: 2p16.1.
Variant type: single nucleotide variant.
Coding change: c.4G>T on transcript NM_018062.4 (MANE Select); coding-DNA position 4, G replaced by T.
Protein change: p.Ala2Ser; replaces alanine 2 with serine.
Molecular consequence: missense variant.
Genome position (GRCh38, 1-based): chr2:58,241,310, C>A on the plus strand (G>T on the coding strand, the complement: FANCL is on the minus strand). VCF-style: chr2-58241310-C-A. GRCh37 (hg19) VCF-style: chr2-58468445-C-A.
Other names: c.4G>T, p.Ala2Ser (NM_001114636.2, NM_001374615.1, NM_001410792.1); short protein forms A2S.
Identifiers: ClinVar variation 241251 (VCV000241251.11), dbSNP rs144057264, ClinGen allele CA1670854.